The following is an entry in ClinVar:

NM_030665.4(RAI1):c.487del (p.Gln163fs)

Gene: RAI1 (retinoic acid induced 1; plus strand). Cytogenetic location: 17p11.2.
Variant type: Deletion.
Coding change: c.487del on transcript NM_030665.4 (MANE Select); coding-DNA position 487, one base deleted (C; older notation c.487delC).
Protein change: p.Gln163fs; shifts the reading frame from glutamine 163.
Molecular consequence: frameshift variant.
Genome position (GRCh38, 1-based): chr17:17,793,435, C deleted; the last of 3 consecutive C bases (chr17:17,793,433-17,793,435); deleting any one gives the same sequence. VCF-style (leftmost placement, unchanged base first): chr17-17793432-GC-G. GRCh37 (hg19) VCF-style: chr17-17696746-GC-G.
Other names: short protein forms Q163fs.
Identifiers: ClinVar variation 3054870 (VCV003054870.2), dbSNP rs2508569160, ClinGen allele CA2740095285.
Genomic context (GRCh38, chr17:17,793,432, plus strand): 5'-GATGAGAACTTGATGAAAAAGACAGCAGTGCCCCCCAGCAGGCAGTATGCAGAGCAGGGC[GC>G]CCAGGTGCCCTTTCGGACTCACTCCCTGCACGTCCAGCAGCCACCGCCGCCCCAGCAGCC-3'

ClinVar aggregate classification (germline): Likely pathogenic (0 of 4 stars; one submission).

Conditions:
RAI1-related disorder. Also called: RAI1-related condition.

Submission:

PreventionGenetics, part of Exact Sciences
Classification: Likely pathogenic for RAI1-related condition. Last evaluated: 2023-11-27. Review status: no assertion criteria provided. Collection method: clinical testing. Allele origin: germline.
Comment: The RAI1 c.487delC variant is predicted to result in a frameshift and premature protein termination (p.Gln163Argfs*89). To our knowledge, this variant has not been reported in the literature or in a large population database, indicating this variant is rare. Frameshift variants in RAI1 are expected to be pathogenic. This variant is interpreted as likely pathogenic.